The following is an entry in ClinVar:

ClinVar aggregate classification (germline): Conflicting classifications of pathogenicity. Review status: criteria provided, conflicting classifications (1 of 4 stars). 4 submissions from 4 submitters: Uncertain significance (3); Benign (1). Last evaluated 2026-02-01.

Allele frequency attached by ClinVar (database versions not stated): gnomAD exomes 0.00001 and 0.00006; ExAC 0.00006; ESP Exome Variant Server 0.00015; gnomAD 0.00021 and 0.00024; TOPMed 0.00025.
gnomAD v4.1: 52 of 1,613,748 alleles (0.0032%); highest among the groups gnomAD compares: African/African-American, 0.059%; no homozygotes.

Submissions (4):

Labcorp Genetics (formerly Invitae), Labcorp
Classification: Benign. Last evaluated: 2026-02-01. Review status: criteria provided, single submitter. Criteria: Invitae Variant Classification Sherloc (09022015). Collection method: clinical testing. Allele origin: germline.

Ambry Genetics
Classification: Uncertain significance. Last evaluated: 2025-05-23. Review status: criteria provided, single submitter. Criteria: Ambry Variant Classification Scheme 2023. Collection method: clinical testing. Allele origin: germline.

Mayo Clinic Laboratories, Mayo Clinic
Classification: Uncertain significance. Last evaluated: 2024-02-15. Review status: criteria provided, single submitter. Criteria: ACMG Guidelines, 2015. Collection method: clinical testing. Allele origin: germline. Observed: 1 variant allele.
Comment: BP4

Breakthrough Genomics
Classification: Uncertain significance. Review status: criteria provided, single submitter. Criteria: ACMG Guidelines, 2015. Collection method: not provided. Allele origin: germline. Inheritance: Autosomal dominant inheritance. Affected: yes.

NM_016816.4(OAS1):c.206C>T (p.Thr69Ile)

Gene: OAS1 (2'-5'-oligoadenylate synthetase 1; plus strand). Cytogenetic location: 12q24.13.
Variant type: single nucleotide variant.
Coding change: c.206C>T on transcript NM_016816.4 (MANE Select); coding-DNA position 206, C replaced by T.
Protein change: p.Thr69Ile; replaces threonine 69 with isoleucine.
Molecular consequence: missense variant.
Genome position (GRCh38, 1-based): chr12:112,908,561, C>T. VCF-style: chr12-112908561-C-T. GRCh37 (hg19) VCF-style: chr12-113346366-C-T.
Other names: p.Thr69Ile; c.206C>T (NM_016816.2); c.206C>T, p.Thr69Ile (NM_001032409.3, NM_001320151.2, NM_002534.4); short protein forms T69I.
Identifiers: ClinVar variation 1435550 (VCV001435550.10), dbSNP rs142847241, ClinGen allele CA6799714.